The following is an entry in ClinVar:

ClinVar aggregate classification (germline): Pathogenic (1 of 4 stars; one submission).

Conditions:
Hereditary hemochromatosis (HFE). Identifiers: MedGen C0392514, MONDO:0006507. Disease mechanism: loss of function.

Submission:

Labcorp Genetics (formerly Invitae), Labcorp
Classification: Pathogenic for Hereditary hemochromatosis. Last evaluated: 2023-06-05. Review status: criteria provided, single submitter. Criteria: Invitae Variant Classification Sherloc (09022015). Collection method: clinical testing. Allele origin: germline.
Comment: For these reasons, this variant has been classified as Pathogenic. This variant has not been reported in the literature in individuals affected with HFE-related conditions. This variant is not present in population databases (gnomAD no frequency). This sequence change creates a premature translational stop signal (p.Lys243Glufs*3) in the HFE gene. It is expected to result in an absent or disrupted protein product. Loss-of-function variants in HFE are known to be pathogenic (PMID: 27518069).

Literature cited by the submitters: PubMed 27518069.

NM_000410.4(HFE):c.720_726dup (p.Lys243delinsGluGlyTer)

Gene: HFE (homeostatic iron regulator; plus strand). Cytogenetic location: 6p22.2.
Variant type: Duplication.
Coding change: c.720_726dup on transcript NM_000410.4 (MANE Select); coding-DNA positions 720 to 726, 7 bases duplicated (GAAGGAT; older notation c.720_726dupGAAGGAT).
Protein change: p.Lys243delinsGluGlyTer.
Molecular consequence: nonsense. On other transcripts: intron variant (1).
Genome position (GRCh38, 1-based): chr6:26,092,788-26,092,794, GAAGGAT duplicated; duplicating any 7 consecutive bases within chr6:26,092,787-26,092,794 gives the same sequence; the c. name uses the placement nearest the transcript's 3' end. VCF-style (leftmost placement, unchanged base first): chr6-26092786-C-CTGAAGGA. GRCh37 (hg19) VCF-style: chr6-26093014-C-CTGAAGGA.
Other names: c.720_726dup, p.Lys243delinsGluGlyTer (NM_001300749.3, NM_001384164.1); c.711_717dup, p.Lys240delinsGluGlyTer (NM_001406751.1); c.456_462dup, p.Lys155delinsGluGlyTer (NM_001406752.1, NM_139007.3); c.402_408dup, p.Lys137delinsGluGlyTer (NM_139003.3); c.444_450dup, p.Lys151delinsGluGlyTer (NM_139004.3); c.678_684dup, p.Lys229delinsGluGlyTer (NM_139006.3); c.414_420dup, p.Lys141delinsGluGlyTer (NM_139008.3); c.651_657dup, p.Lys220delinsGluGlyTer (NM_139009.3); and 2 more.
Identifiers: ClinVar variation 2770771 (VCV002770771.3), dbSNP rs2481620137, ClinGen allele CA2697546649.